The following continues an entry in ClinVar:

NM_004006.3(DMD):c.1724T>C (p.Leu575Pro)

Gene: DMD. ClinVar aggregate classification (germline): Conflicting classifications of pathogenicity. Pathogenic (3); Likely pathogenic (7); Pathogenic, low penetrance (1); Uncertain significance (5).

Submissions 9 to 20 of 20:

Victorian Clinical Genetics Services, Murdoch Childrens Research Institute
Classification: Pathogenic for Muscular dystrophy. Last evaluated: 2024-10-08. Review status: criteria provided, single submitter. Criteria: ACMG Guidelines, 2015. Collection method: clinical testing. Allele origin: germline. Inheritance: X-linked recessive inheritance. Affected: yes.
Comment: Based on the classification scheme VCGS_Germline_v1.3.4, this variant is classified as Pathogenic. Following criteria are met: 0102 - Loss of function is a known mechanism of disease in this gene and is associated with Becker muscular dystrophy (MIM#300376), Duchenne muscular dystrophy (MIM#310200) and dilated cardiomyopathy 3B (MIM#302045). (I) 0109 - This gene is associated with X-linked recessive disease. This gene is primarily associated with X-linked recessive disease relating to the muscular dystrophy phenotypes; however, it is also associated with X-linked DCM in heterozygous females (OMIM, GeneReviews, PMID: 26066469). (I) 0200 - Variant is predicted to result in a missense amino acid change from leucine to proline. (I) 0251 - This variant is heterozygous. (I) 0304 - Variant is present in gnomAD <0.01 v3 (6 heterozygotes, 0 homozygotes, 3 hemizygotes). (SP) 0502 - Missense variant with conflicting in silico predictions and uninformative conservation. (I) 0600 - Variant is located in the annotated Spectrin repeats superfamily domain (NCBI, UniProt). (I) 0705 - No comparable missense variants have previous evidence for pathogenicity. (I) 0801 - This variant has very strong previous evidence of pathogenicity in unrelated individuals. This variant is predominantly reported to be associated with mild symptoms of muscular dystrophy and increased creatine kinase (CK) and has been reported in individuals with BMD, DMD, and non-ischemic DCM (ClinVar, LOVD, PMID’s: 36409343, 35135626, 33644936, 21104870, 31648988). (SP) 0905 - No published segregation evidence has been identified for this variant. (I) 1007 - No published functional evidence has been identified for this variant. (I) 1208 - Inheritance information for this variant is not currently available in this individual. (I) Legend: (SP) - Supporting pathogenic, (I) - Information, (SB) - Supporting benign

Baylor Genetics
Classification: Likely pathogenic for Becker muscular dystrophy. Last evaluated: 2023-12-21. Review status: criteria provided, single submitter. Criteria: ACMG Guidelines, 2015. Collection method: clinical testing. Allele origin: unknown.

Blueprint Genetics
Classification: Likely pathogenic for DMD-related disorders. Last evaluated: 2023-05-26. Review status: criteria provided, single submitter. Criteria: ACMG Guidelines, 2015. Collection method: clinical testing. Allele origin: germline. Affected: yes. Observed: 1 variant allele.

Mendelics
Classification: Uncertain significance. Last evaluated: 2022-05-04. Review status: criteria provided, single submitter. Criteria: Mendelics Assertion Criteria 2019. Collection method: clinical testing. Allele origin: germline.

Athena Diagnostics
Classification: Likely pathogenic. Last evaluated: 2018-12-31. Review status: criteria provided, single submitter. Criteria: Athena Diagnostics Criteria. Collection method: clinical testing. Allele origin: germline.
Comment: The best available variant frequency is uninformative because there are too few occurrences in population data. Statistically enriched in uncharacterized patients compared to unmatched population data. Found in at least one symptomatic patient. Predicted to have a damaging effect on the protein. Located in a known repetitive region of the protein. Statistically associated with disease in multiple families. (p < 0.05)

ARUP Laboratories, Molecular Genetics and Genomics, ARUP Laboratories
Classification: Uncertain significance. Last evaluated: 2018-09-04. Review status: criteria provided, single submitter. Criteria: ARUP Molecular Germline Variant Investigation Process. Collection method: clinical testing. Allele origin: germline.
Comment: The DMD c.1724T>C; p.Leu575Pro variant (rs370644567), is reported in the literature in multiple individuals affected with dystrophinopathies (Veerapandiyan 2010). This variant is reported as uncertain significance/likely pathogenic/pathogenic in ClinVar (Variation ID: 161220), and is only observed on two alleles in the Genome Aggregation Database. The leucine at codon 575 is highly conserved, and computational analyses (SIFT, PolyPhen-2) predict that this variant is deleterious. Due to limited information, the clinical significance of the p.Leu575Pro variant is uncertain at this time. References: Veerapandiyan A et al. Pseudometabolic presentation of dystrophinopathy due to a missense mutation. Muscle Nerve. 2010 Dec;42(6):975-9.

Eurofins Ntd Llc (ga)
Classification: Uncertain significance. Last evaluated: 2017-12-26. Review status: criteria provided, single submitter. Criteria: EGL Classification Definitions 2015. Collection method: clinical testing. Allele origin: germline. Observed: 7 variant alleles, 1 heterozygote, 6 hemizygotes.

Stanford Center for Inherited Cardiovascular Disease, Stanford University
Classification: Uncertain significance. Last evaluated: 2015-09-22. Review status: criteria provided, single submitter. Criteria: ACMG Guidelines, 2015. Collection method: provider interpretation. Allele origin: germline.

Counsyl
Classification: Uncertain significance for Becker muscular dystrophy. Last evaluated: 2019-03-12. Review status: no assertion criteria provided. Collection method: clinical testing. Allele origin: unknown. Not counted in ClinVar's aggregate classification.

Counsyl
Classification: Uncertain significance for Dilated cardiomyopathy 3B. Last evaluated: 2019-03-12. Review status: no assertion criteria provided. Collection method: clinical testing. Allele origin: unknown. Not counted in ClinVar's aggregate classification.

Counsyl
Classification: Uncertain significance for Duchenne muscular dystrophy. Last evaluated: 2019-03-12. Review status: no assertion criteria provided. Collection method: clinical testing. Allele origin: unknown. Not counted in ClinVar's aggregate classification.

CSER _CC_NCGL, University of Washington
Classification: Uncertain significance for Exertional myalgia, muscle stiffness & myoglobinuria. Last evaluated: 2014-06-01. Review status: no assertion criteria provided. Collection method: research. Allele origin: germline. Inheritance: X-linked inheritance. Study: ESP 6500 variant annotation. Not counted in ClinVar's aggregate classification.
Comment: Variants classified for the Actionable exomic incidental findings in 6503 participants: challenges of variant classification manuscript

Literature cited by the submitters: PubMed 21104870 (cited by 9 submitters); PubMed 25637381 (cited by 3 submitters); PubMed 31648988 (cited by 3 submitters); PubMed 33644936 (cited by 4 submitters); PubMed 36409343 (cited by 4 submitters); PubMed 35135626 (cited by 4 submitters); PubMed 33146414 (cited by Natera, Inc. and Women's Health and Genetics/Laboratory Corporation of America, LabCorp); PubMed 26365249 (cited by Otogenetics and Women's Health and Genetics/Laboratory Corporation of America, LabCorp); PubMed 26066469 (cited by Victorian Clinical Genetics Services, Murdoch Childrens Research Institute); PubMed 19367636 (cited by Athena Diagnostics).